The following is an entry in ClinVar:

NM_000057.4(BLM):c.1856_1858del (p.Phe619del)

Gene: BLM (BLM RecQ like helicase; plus strand). Cytogenetic location: 15q26.1.
Variant type: Deletion.
Coding change: c.1856_1858del on transcript NM_000057.4 (MANE Select); coding-DNA positions 1856 to 1858, 3 bases deleted (TCT; older notation c.1856_1858delTCT).
Protein change: p.Phe619del; deletes phenylalanine 619.
Molecular consequence: inframe deletion.
Genome position (GRCh38, 1-based): chr15:90,761,229-90,761,231, TCT deleted; deleting any 3 consecutive bases within chr15:90,761,227-90,761,231 gives the same sequence; the c. name uses the placement nearest the transcript's 3' end. VCF-style (leftmost placement, unchanged base first): chr15-90761226-ACTT-A. GRCh37 (hg19) VCF-style: chr15-91304456-ACTT-A.
Other names: c.1856_1858del (LRG_20t1); c.1856_1858del, p.Phe619del (NM_001287246.2, NM_001287247.2); c.731_733del, p.Phe244del (NM_001287248.2); short protein forms F619del, F244del.
Identifiers: ClinVar variation 454088 (VCV000454088.15), dbSNP rs1555419996, ClinGen allele CA658658318.

ClinVar aggregate classification (germline): Uncertain significance. Review status: criteria provided, multiple submitters, no conflicts (2 of 4 stars). 3 submissions from 3 submitters: Uncertain significance (2). 1 of the submissions does not count toward it. Last evaluated 2025-12-14.

Conditions:
Hereditary cancer-predisposing syndrome. Also called: Hereditary Cancer Syndrome; Hereditary neoplastic syndrome; Neoplastic Syndromes, Hereditary; Tumor predisposition. Identifiers: Orphanet 140162, MedGen C0027672, MeSH D009386, MONDO:0015356.
Bloom syndrome (BLM). Also called: Bloom-Torre-Machacek syndrome. Identifiers: Orphanet 125, MedGen C0005859, MONDO:0008876, OMIM 210900.

Submissions (3):

Labcorp Genetics (formerly Invitae), Labcorp
Classification: Uncertain significance for Bloom syndrome. Last evaluated: 2025-12-14. Review status: criteria provided, single submitter. Criteria: Invitae Variant Classification Sherloc (09022015). Collection method: clinical testing. Allele origin: germline.
Comment: This variant, c.1856_1858del, results in the deletion of 1 amino acid(s) of the BLM protein (p.Phe619del), but otherwise preserves the integrity of the reading frame. This variant is not present in population databases (gnomAD no frequency). This variant has not been reported in the literature in individuals affected with BLM-related conditions. ClinVar contains an entry for this variant (Variation ID: 454088). Experimental studies and prediction algorithms are not available or were not evaluated, and the functional significance of this variant is currently unknown. In summary, the available evidence is currently insufficient to determine the role of this variant in disease. Therefore, it has been classified as a Variant of Uncertain Significance.

Ambry Genetics
Classification: Uncertain significance for Hereditary cancer-predisposing syndrome. Last evaluated: 2023-12-14. Review status: criteria provided, single submitter. Criteria: Ambry Variant Classification Scheme 2023. Collection method: clinical testing. Allele origin: germline.
Comment: The c.1856_1858delTCT variant (also known as p.F619del) is located in coding exon 6 of the BLM gene. This variant results from an in-frame TCT deletion at nucleotide positions 1856 to 1858. This results in the in-frame deletion of a phenylalanine at codon 619. The deleted amino acid position is not well conserved in available vertebrate species. In addition, this alteration is predicted to be neutral by in silico analysis (Choi Y et al. PLoS ONE. 2012; 7(10):e46688). Since supporting evidence is limited at this time, the clinical significance of this alteration remains unclear.

Natera, Inc.
Classification: Uncertain significance for Bloom syndrome. Last evaluated: 2018-06-19. Review status: no assertion criteria provided. Collection method: clinical testing. Allele origin: germline. Not counted in ClinVar's aggregate classification.